The following is an entry in ClinVar:

NM_005902.4(SMAD3):c.455C>G (p.Pro152Arg)

Gene: SMAD3 (SMAD family member 3; plus strand). Cytogenetic location: 15q22.33.
Variant type: single nucleotide variant.
Coding change: c.455C>G on transcript NM_005902.4 (MANE Select); coding-DNA position 455, C replaced by G.
Protein change: p.Pro152Arg; replaces proline 152 with arginine.
Molecular consequence: missense variant. On other transcripts: intron variant (2).
Genome position (GRCh38, 1-based): chr15:67,165,307, C>G. VCF-style: chr15-67165307-C-G. GRCh37 (hg19) VCF-style: chr15-67457645-C-G.
Other names: c.140C>G, p.Pro47Arg (NM_001145102.2, NM_001407016.1); c.323C>G, p.Pro108Arg (NM_001145103.2); c.455C>G, p.Pro152Arg (NM_001407011.1, NM_001407013.1); c.308C>G, p.Pro103Arg (NM_001407014.1); c.400+219C>G (NM_001407012.1); c.85+219C>G (NM_001407015.1); short protein forms P103R, P108R, P152R, P47R.
Identifiers: ClinVar variation 3225168 (VCV003225168.1), dbSNP rs375574124, ClinGen allele CA392954340.
Genomic context (GRCh38, chr15:67,165,307, plus strand): 5'-GGACAGTTCTACCTCCTGTGTTGGTGCCACGCCACACAGAGATCCCGGCCGAGTTCCCCC[C>G]ACTGGACGACTACAGCCATTCCATCCCCGAAAACACTAACTTCCCCGCAGGCATCGAGCC-3'
Protein context (NP_005893.1, residues 142-162): RHTEIPAEFP[Pro152Arg]LDDYSHSIPE

ClinVar aggregate classification (germline): Uncertain significance (1 of 4 stars; one submission).

Conditions:
Familial thoracic aortic aneurysm and aortic dissection (TAAD). Also called: Thoracic aortic aneurysms and dissections. Identifiers: Orphanet 91387, MedGen C4707243, MONDO:0019625.

gnomAD v4.1: 3 of 1,614,216 alleles (0.00019%); highest among the groups gnomAD compares: Non-Finnish European, 0.00025%; no homozygotes.

Submission:

Ambry Genetics
Classification: Uncertain significance for Familial thoracic aortic aneurysm and aortic dissection. Last evaluated: 2024-03-02. Review status: criteria provided, single submitter. Criteria: Ambry Variant Classification Scheme 2023. Collection method: clinical testing. Allele origin: germline.
Comment: The p.P152R variant (also known as c.455C>G), located in coding exon 3 of the SMAD3 gene, results from a C to G substitution at nucleotide position 455. The proline at codon 152 is replaced by arginine, an amino acid with dissimilar properties. This amino acid position is conserved. In addition, the in silico prediction for this alteration is inconclusive. Based on the available evidence, the clinical significance of this alteration remains unclear.